The following is an entry in ClinVar:

ClinVar aggregate classification (germline): Conflicting classifications of pathogenicity. Review status: criteria provided, conflicting classifications (1 of 4 stars). 2 submissions from 2 submitters: Uncertain significance (1); Likely benign (1). Last evaluated 2024-09-20.

Conditions:
Nephrotic syndrome, type 3 (NPHS3). Also called: NEPHROTIC SYNDROME, EARLY-ONSET, TYPE 3. Identifiers: Orphanet 656, MedGen C1853124, MONDO:0012546, OMIM 610725.

Allele frequency attached by ClinVar (database versions not stated): gnomAD 0.00004 and 0.00006; TOPMed 0.00005; ExAC 0.00006; gnomAD exomes 0.00006.
gnomAD v4.1: 197 of 1,613,976 alleles (0.012%); highest among the groups gnomAD compares: East Asian, 0.38%; no homozygotes.

Submissions (2):

3billion
Classification: Likely benign for Nephrotic syndrome, type 3. Last evaluated: 2024-09-20. Review status: criteria provided, single submitter. Criteria: ACMG Guidelines, 2015. Collection method: clinical testing. Allele origin: germline. Affected: no.
Comment: The homozygous variant was found in patients diagnosed with another variant in a different gene, with no symptoms related to the gene containing the homozygous variant.

Illumina Laboratory Services, Illumina
Classification: Uncertain significance for Nephrotic syndrome, type 3. Last evaluated: 2018-01-12. Review status: criteria provided, single submitter. Criteria: ICSL Variant Classification Criteria 13 December 2019. Collection method: clinical testing. Allele origin: germline.

NM_016341.4(PLCE1):c.1496G>A (p.Arg499His)

Gene: PLCE1 (phospholipase C epsilon 1; plus strand). Cytogenetic location: 10q23.33.
Variant type: single nucleotide variant.
Coding change: c.1496G>A on transcript NM_016341.4 (MANE Select); coding-DNA position 1496, G replaced by A.
Protein change: p.Arg499His; replaces arginine 499 with histidine.
Molecular consequence: missense variant.
Genome position (GRCh38, 1-based): chr10:94,171,183, G>A. VCF-style: chr10-94171183-G-A. GRCh37 (hg19) VCF-style: chr10-95930940-G-A.
Other names: c.572G>A, p.Arg191His (NM_001165979.2); c.1496G>A, p.Arg499His (NM_001288989.2); short protein forms R191H, R499H.
Identifiers: ClinVar variation 878726 (VCV000878726.5), dbSNP rs757336023, ClinGen allele CA5612405.